The following is an entry in ClinVar:

NM_001378964.1(CDON):c.76+2dup

Gene: CDON (cell adhesion associated, oncogene regulated; minus strand). Cytogenetic location: 11q24.2.
Variant type: Duplication.
Coding change: c.76+2dup on transcript NM_001378964.1 (MANE Select); the canonical splice donor site of the intron after coding-DNA position 76, one base duplicated (T; older notation c.76+2dupT).
Molecular consequence: splice donor variant.
Genome position (GRCh38, 1-based): chr11:126,023,399, A duplicated on the plus strand (T on the coding strand, the reverse complement: CDON is on the minus strand). VCF-style (leftmost placement, unchanged base first): chr11-126023398-T-TA. GRCh37 (hg19) VCF-style: chr11-125893293-T-TA.
Other names: c.76+2dup (NM_001441166.1, NM_016952.6, NM_001243597.3 and 5 more transcripts).
Identifiers: ClinVar variation 3363950 (VCV003363950.1).

ClinVar aggregate classification (germline): Uncertain significance (1 of 4 stars; one submission).

Submission:

GeneDx
Classification: Uncertain significance. Last evaluated: 2023-11-06. Review status: criteria provided, single submitter. Criteria: GeneDx Variant Classification Process June 2021. Collection method: clinical testing. Allele origin: germline. Affected: yes.
Comment: Not observed at significant frequency in large population cohorts (gnomAD); In silico analysis supports a deleterious effect on splicing; Has not been previously published as pathogenic or benign to our knowledge